The following is an entry in ClinVar:

ClinVar aggregate classification (germline): Conflicting classifications of pathogenicity. Review status: criteria provided, conflicting classifications (1 of 4 stars). 5 submissions from 5 submitters: Uncertain significance (4); Likely benign (1). Last evaluated 2025-09-13.

Conditions:
Hereditary cancer-predisposing syndrome. Also called: Neoplastic Syndromes, Hereditary; Tumor predisposition; Hereditary Cancer Syndrome; Hereditary neoplastic syndrome. Identifiers: Orphanet 140162, MedGen C0027672, MeSH D009386, MONDO:0015356.
Hereditary breast ovarian cancer syndrome. Also called: Breast and ovarian cancer; Hereditary breast and ovarian cancer; Hereditary breast and/or ovarian cancer syndrome; BRCA1- and BRCA2-Associated Hereditary Breast and Ovarian Cancer; Hereditary breast and ovarian cancer syndrome; Hereditary breast and ovarian cancer syndrome (HBOC). Identifiers: Orphanet 145, MedGen C0677776, MeSH D061325, MONDO:0003582. Disease mechanism: loss of function.
Familial cancer of breast. Also called: BREAST CANCER, FAMILIAL; Hereditary breast cancer; hereditary breast carcinoma. Identifiers: Orphanet 227535, MedGen C0346153, MONDO:0016419, OMIM 114480. Disease mechanism: loss of function.

Submissions (5):

Labcorp Genetics (formerly Invitae), Labcorp
Classification: Uncertain significance for Hereditary breast ovarian cancer syndrome. Last evaluated: 2025-09-13. Review status: criteria provided, single submitter. Criteria: Invitae Variant Classification Sherloc (09022015). Collection method: clinical testing. Allele origin: germline.
Comment: This sequence change replaces alanine, which is neutral and non-polar, with valine, which is neutral and non-polar, at codon 3148 of the BRCA2 protein (p.Ala3148Val). This variant is not present in population databases (gnomAD no frequency). This variant has not been reported in the literature in individuals affected with BRCA2-related conditions. ClinVar contains an entry for this variant (Variation ID: 141127). Invitae Evidence Modeling of protein sequence and biophysical properties (such as structural, functional, and spatial information, amino acid conservation, physicochemical variation, residue mobility, and thermodynamic stability) indicates that this missense variant is not expected to disrupt BRCA2 protein function with a negative predictive value of 95%. In summary, the available evidence is currently insufficient to determine the role of this variant in disease. Therefore, it has been classified as a Variant of Uncertain Significance.

Ambry Genetics
Classification: Likely benign for Hereditary cancer-predisposing syndrome. Last evaluated: 2025-03-31. Review status: criteria provided, single submitter. Criteria: Ambry Variant Classification Scheme 2023. Collection method: clinical testing. Allele origin: germline.

Baylor Genetics
Classification: Uncertain significance for Familial cancer of breast. Last evaluated: 2023-11-07. Review status: criteria provided, single submitter. Criteria: ACMG Guidelines, 2015. Collection method: clinical testing. Allele origin: unknown.

Color Diagnostics, LLC DBA Color Health
Classification: Uncertain significance for Hereditary cancer-predisposing syndrome. Last evaluated: 2019-04-02. Review status: criteria provided, single submitter. Criteria: ACMG Guidelines, 2015. Collection method: clinical testing. Allele origin: germline.

GeneDx
Classification: Uncertain significance. Last evaluated: 2014-06-09. Review status: criteria provided, single submitter. Criteria: GeneDx Variant Classification (06012015). Collection method: clinical testing. Allele origin: germline. Affected: yes.
Comment: This variant is denoted BRCA2 c.9443C>T at the cDNA level, p.Ala3148Val (A3148V) at the protein level, and results in the change of an Alanine to a Valine (GCT>GTT). Of note, this variant is also known as BRCA2 c.9671C>T by alternate nomenclature. This variant has not, to our knowledge, been published in the literature as pathogenic or benign. This variant was not observed in approximately 6,500 individuals of European and African American ancestry in the NHLBI Exome Sequencing Project, suggesting it is not a common benign variant in these populations. Since Alanine and Valine share similar properties, this is considered a conservative amino acid substitution. BRCA2 Ala3148Val occurs at a position that is well conserved across species and is not located in a known functional domain. In addition, in silico analyses predict that this variant is probably damaging to protein structure and function. Based on the currently available information, we consider BRCA2 Ala3148Val to be a variant of uncertain significance.

Literature cited by the submitters: PubMed 39779848 (cited by Ambry Genetics); PubMed 39779857 (cited by Ambry Genetics).

NM_000059.4(BRCA2):c.9443C>T (p.Ala3148Val)

Gene: BRCA2 (BRCA2 DNA repair associated; plus strand). Cytogenetic location: 13q13.1.
Variant type: single nucleotide variant.
Coding change: c.9443C>T on transcript NM_000059.4 (MANE Select); coding-DNA position 9443, C replaced by T.
Protein change: p.Ala3148Val; replaces alanine 3148 with valine.
Molecular consequence: missense variant.
Genome position (GRCh38, 1-based): chr13:32,394,875, C>T. VCF-style: chr13-32394875-C-T. GRCh37 (hg19) VCF-style: chr13-32969012-C-T.
Other names: p.A3148V:GCT>GTT; short protein forms A3148V.
Identifiers: ClinVar variation 141127 (VCV000141127.21), dbSNP rs587781514, ClinGen allele CA026160.
Genomic context (GRCh38, chr13:32,394,875, plus strand): 5'-GACCAGAATCCAAATCAGGCCTTCTTACTTTATTTGCTGGAGATTTTTCTGTGTTTTCTG[C>T]TAGTCCAAAAGAGGGCCACTTTCAAGAGACATTCAACAAAATGAAAAATACTGTTGAGGT-3'
Protein context (NP_000050.3, residues 3138-3158): LFAGDFSVFS[Ala3148Val]SPKEGHFQET